The following is an entry in ClinVar:

NM_004991.4(MECOM):c.1685A>G (p.Glu562Gly)

Gene: MECOM (MDS1 and EVI1 complex locus; minus strand). Cytogenetic location: 3q26.2.
Variant type: single nucleotide variant.
Coding change: c.1685A>G on transcript NM_004991.4 (MANE Select); coding-DNA position 1685, A replaced by G.
Protein change: p.Glu562Gly; replaces glutamic acid 562 with glycine.
Molecular consequence: missense variant. On other transcripts: intron variant (2).
Genome position (GRCh38, 1-based): chr3:169,116,187, T>C on the plus strand (A>G on the coding strand, the complement: MECOM is on the minus strand). VCF-style: chr3-169116187-T-C. GRCh37 (hg19) VCF-style: chr3-168833975-T-C.
Other names: c.1316A>G, p.Glu439Gly (NM_001105077.4); c.1121A>G, p.Glu374Gly (NM_001105078.4, NM_001164000.2, NM_001205194.2 and 4 more transcripts); c.1124A>G, p.Glu375Gly (NM_001163999.2, NM_001366467.2, NM_001366468.2 and 1 more transcripts); c.1685A>G, p.Glu562Gly (NM_001366466.2); c.1133-420A>G (NM_001366473.2); c.569-420A>G (NM_001366474.2); short protein forms E374G, E439G, E562G, E375G.
Identifiers: ClinVar variation 3394350 (VCV003394350.3).

ClinVar aggregate classification (germline): Uncertain significance. Review status: criteria provided, multiple submitters, no conflicts (2 of 4 stars). 2 submissions from 2 submitters: Uncertain significance (2). Last evaluated 2024-11-30.

Conditions:
Inborn genetic diseases. Identifiers: MedGen C0950123, MeSH D030342.

gnomAD v4.1: 10 of 1,614,050 alleles (0.00062%); highest among the groups gnomAD compares: African/African-American, 0.012%; no homozygotes.

Submissions (2):

Ambry Genetics
Classification: Uncertain significance for Inborn genetic diseases. Last evaluated: 2024-11-30. Review status: criteria provided, single submitter. Criteria: Ambry Variant Classification Scheme 2023. Collection method: clinical testing. Allele origin: germline.
Comment: The p.E562G variant (also known as c.1685A>G), located in coding exon 8 of the MECOM gene, results from an A to G substitution at nucleotide position 1685. The glutamic acid at codon 562 is replaced by glycine, an amino acid with similar properties. This amino acid position is conserved. In addition, this alteration is predicted to be tolerated by in silico analysis. Based on the available evidence, the clinical significance of this variant remains unclear.

Labcorp Genetics (formerly Invitae), Labcorp
Classification: Uncertain significance. Last evaluated: 2024-03-22. Review status: criteria provided, single submitter. Criteria: Invitae Variant Classification Sherloc (09022015). Collection method: clinical testing. Allele origin: germline.
Comment: This sequence change replaces glutamic acid, which is acidic and polar, with glycine, which is neutral and non-polar, at codon 374 of the MECOM protein (p.Glu374Gly). This variant is present in population databases (no rsID available, gnomAD 0.008%). This variant has not been reported in the literature in individuals affected with MECOM-related conditions. An algorithm developed to predict the effect of missense changes on protein structure and function (PolyPhen-2) suggests that this variant is likely to be tolerated. In summary, the available evidence is currently insufficient to determine the role of this variant in disease. Therefore, it has been classified as a Variant of Uncertain Significance.